The following is an entry in ClinVar:

ClinVar aggregate classification (germline): Benign. Review status: criteria provided, multiple submitters, no conflicts (2 of 4 stars). 2 submissions from 2 submitters: Benign (2). Last evaluated 2018-06-19.

Allele frequency attached by ClinVar (database versions not stated): 1000 Genomes Project 30x 0.03014; 1000 Genomes Project 0.03135; TOPMed 0.06093; gnomAD 0.07386 and 0.07739; gnomAD exomes 0.08709.
gnomAD v4.1: 60,932 of 726,482 alleles (8.4%); highest among the groups gnomAD compares: Non-Finnish European, 11%; 3,642 homozygotes.

Submissions (2):

GeneDx
Classification: Benign. Last evaluated: 2018-06-19. Review status: criteria provided, single submitter. Criteria: GeneDx Variant Classification (06012015). Collection method: clinical testing. Allele origin: germline. Affected: yes.
Comment: This variant is considered likely benign or benign based on one or more of the following criteria: it is a conservative change, it occurs at a poorly conserved position in the protein, it is predicted to be benign by multiple in silico algorithms, and/or has population frequency not consistent with disease.

Breakthrough Genomics
Classification: Benign. Review status: criteria provided, single submitter. Criteria: ACMG Guidelines, 2015. Collection method: not provided. Allele origin: germline. Inheritance: Autosomal dominant inheritance. Affected: yes.

NM_001134407.3(GRIN2A):c.1328+142A>T

Gene: GRIN2A (glutamate ionotropic receptor NMDA type subunit 2A; minus strand). Cytogenetic location: 16p13.2.
Variant type: single nucleotide variant.
Coding change: c.1328+142A>T on transcript NM_001134407.3 (MANE Select); 142 bases into the intron after coding-DNA position 1328, A replaced by T.
Molecular consequence: intron variant.
Genome position (GRCh38, 1-based): chr16:9,849,614, T>A on the plus strand (A>T on the coding strand, the complement: GRIN2A is on the minus strand). VCF-style: chr16-9849614-T-A. GRCh37 (hg19) VCF-style: chr16-9943471-T-A.
Other names: c.1328+142A>T (NM_001134408.2, NM_000833.5).
Identifiers: ClinVar variation 681807 (VCV000681807.2), dbSNP rs56155349, ClinGen allele CA14277454.
Genomic context (GRCh38, chr16:9,849,614, plus strand): 5'-TGGAATTAAATGAATGCAAGTGTGGCACATCTCTAGGAATTTATCTAAGTCTTTTTTAAA[T>A]TGATTATTGTATTATACCTACTATAACGACGTGTATTTTCTATGACATTTTGTGATTCAA-3'